The following is an entry in ClinVar:

NM_000023.4(SGCA):c.851G>A (p.Arg284His)

Gene: SGCA (sarcoglycan alpha; plus strand). Cytogenetic location: 17q21.33.
Variant type: single nucleotide variant.
Coding change: c.851G>A on transcript NM_000023.4 (MANE Select); coding-DNA position 851, G replaced by A.
Protein change: p.Arg284His; replaces arginine 284 with histidine.
Molecular consequence: missense variant. On other transcripts: intron variant (1).
Genome position (GRCh38, 1-based): chr17:50,170,246, G>A. VCF-style: chr17-50170246-G-A. GRCh37 (hg19) VCF-style: chr17-48247607-G-A.
Other names: c.585-394G>A (NM_001135697.3); short protein forms R284H.
Identifiers: ClinVar variation 967874 (VCV000967874.11), dbSNP rs369359375, ClinGen allele CA8643930.

ClinVar aggregate classification (germline): Conflicting classifications of pathogenicity. Review status: criteria provided, conflicting classifications (1 of 4 stars). 3 submissions from 3 submitters: Likely pathogenic (1); Uncertain significance (1). 1 of the submissions does not count toward it. Last evaluated 2026-01-17.

Conditions:
Autosomal recessive limb-girdle muscular dystrophy type 2D (LGMDR3). Also called: DUCHENNE-LIKE AUTOSOMAL RECESSIVE MUSCULAR DYSTROPHY, TYPE 2; MUSCULAR DYSTROPHY, LIMB-GIRDLE, AUTOSOMAL RECESSIVE 3; ADHALINOPATHY, PRIMARY. Identifiers: Orphanet 62, MedGen C2936332, MONDO:0011968, OMIM 608099. Disease mechanism: Affects gamma-sarcoglycan and also disrupts the integrity of the entire sarcoglycan complex..

Allele frequency attached by ClinVar (database versions not stated): gnomAD exomes 0.00002; TOPMed 0.00004; ExAC 0.00001; gnomAD 0.00001.
gnomAD v4.1: 32 of 1,614,070 alleles (0.002%); highest among the groups gnomAD compares: South Asian, 0.0066%; no homozygotes.

Submissions (3):

Labcorp Genetics (formerly Invitae), Labcorp
Classification: Likely pathogenic for Autosomal recessive limb-girdle muscular dystrophy type 2D. Last evaluated: 2026-01-17. Review status: criteria provided, single submitter. Criteria: Invitae Variant Classification Sherloc (09022015). Collection method: clinical testing. Allele origin: germline.
Comment: This sequence change replaces arginine, which is basic and polar, with histidine, which is basic and polar, at codon 284 of the SGCA protein (p.Arg284His). This variant is present in population databases (rs369359375, gnomAD 0.01%). This missense change has been observed in individual(s) with limb-girdle muscular dystrophy (PMID: 39678382). ClinVar contains an entry for this variant (Variation ID: 967874). Invitae Evidence Modeling of protein sequence and biophysical properties (such as structural, functional, and spatial information, amino acid conservation, physicochemical variation, residue mobility, and thermodynamic stability) indicates that this missense variant is expected to disrupt SGCA protein function with a positive predictive value of 95%. This variant disrupts the p.Arg284 amino acid residue in SGCA. Other variant(s) that disrupt this residue have been determined to be pathogenic (PMID: 9032047, 18421900, 26404900, 26453141). This suggests that this residue is clinically significant, and that variants that disrupt this residue are likely to be disease-causing. In summary, the currently available evidence indicates that the variant is pathogenic, but additional data are needed to prove that conclusively. Therefore, this variant has been classified as Likely Pathogenic.

Revvity Omics, Revvity
Classification: Uncertain significance for Autosomal recessive limb-girdle muscular dystrophy type 2D. Last evaluated: 2023-12-19. Review status: criteria provided, single submitter. Criteria: ACMG Guidelines, 2015. Collection method: clinical testing. Allele origin: germline.

Natera, Inc.
Classification: Uncertain significance for Limb-girdle muscular dystrophy type 2D. Last evaluated: 2021-02-28. Review status: no assertion criteria provided. Collection method: clinical testing. Allele origin: germline. Not counted in ClinVar's aggregate classification.

Literature cited by the submitters: PubMed 39678382 (cited by Labcorp Genetics (formerly Invitae), Labcorp); PubMed 9032047 (cited by Labcorp Genetics (formerly Invitae), Labcorp); PubMed 18421900 (cited by Labcorp Genetics (formerly Invitae), Labcorp); PubMed 26404900 (cited by Labcorp Genetics (formerly Invitae), Labcorp); PubMed 26453141 (cited by Labcorp Genetics (formerly Invitae), Labcorp).